The following is an entry in ClinVar:

ClinVar aggregate classification (germline): Uncertain significance (1 of 4 stars; one submission).

Conditions:
Autosomal recessive limb-girdle muscular dystrophy type 2J (LGMDR10). Also called: Limb-girdle muscular dystrophy, type 2J; MUSCULAR DYSTROPHY, LIMB-GIRDLE, AUTOSOMAL RECESSIVE 10. Identifiers: Orphanet 140922, MedGen C1837342, MONDO:0012127, OMIM 608807.
Dilated cardiomyopathy 1G (CMD1G). Identifiers: Orphanet 154, MedGen C1858763, MONDO:0011400, OMIM 604145.

Allele frequency attached by ClinVar (database versions not stated): gnomAD exomes below 0.00001.
gnomAD v4.1: 5 of 1,613,730 alleles (0.00031%); highest among the groups gnomAD compares: Non-Finnish European, 0.00034%; no homozygotes.

Submission:

Labcorp Genetics (formerly Invitae), Labcorp
Classification: Uncertain significance for Dilated cardiomyopathy 1G; Autosomal recessive limb-girdle muscular dystrophy type 2J. Last evaluated: 2023-11-01. Review status: criteria provided, single submitter. Criteria: Invitae Variant Classification Sherloc (09022015). Collection method: clinical testing. Allele origin: germline.
Comment: This sequence change replaces histidine, which is basic and polar, with arginine, which is basic and polar, at codon 34716 of the TTN protein (p.His34716Arg). This variant is not present in population databases (gnomAD no frequency). This variant has not been reported in the literature in individuals affected with TTN-related conditions. Experimental studies and prediction algorithms are not available or were not evaluated, and the functional significance of this variant is currently unknown. This variant is located in the M band of TTN (PMID: 25589632). Variants in this region may be relevant for neuromuscular disorders, but have not been definitively shown to cause cardiomyopathy (PMID: 23975875). In summary, the available evidence is currently insufficient to determine the role of this variant in disease. Therefore, it has been classified as a Variant of Uncertain Significance.

Literature cited by the submitters: PubMed 25589632; PubMed 23975875.

NM_001267550.2(TTN):c.104147A>G (p.His34716Arg)

Genes: TTN-AS1 (TTN antisense RNA 1; plus strand), TTN (titin; minus strand). Cytogenetic location: 2q31.2.
Variant type: single nucleotide variant.
Coding change: c.104147A>G on transcript NM_001267550.2 (MANE Select); coding-DNA position 104147, A replaced by G.
Protein change: p.His34716Arg; replaces histidine 34716 with arginine.
Molecular consequence: missense variant.
Genome position (GRCh38, 1-based): chr2:178,532,468, T>C on the plus strand (A>G on the coding strand, the complement: TTN is on the minus strand). VCF-style: chr2-178532468-T-C. GRCh37 (hg19) VCF-style: chr2-179397195-T-C.
Other names: c.99224A>G, p.His33075Arg (NM_001256850.1); c.76952A>G, p.His25651Arg (NM_003319.4); c.96443A>G, p.His32148Arg (NM_133378.4); c.77327A>G, p.His25776Arg (NM_133432.3); c.77528A>G, p.His25843Arg (NM_133437.4); short protein forms H25651R, H33075R, H32148R, H25843R, H25776R, H34716R.
Identifiers: ClinVar variation 2953141 (VCV002953141.1), dbSNP rs2468453079, ClinGen allele CA349412372.